The following is an entry in ClinVar:

NM_004082.5(DCTN1):c.33+9C>T

Gene: DCTN1 (dynactin subunit 1; minus strand). Cytogenetic location: 2p13.1.
Variant type: single nucleotide variant.
Coding change: c.33+9C>T on transcript NM_004082.5 (MANE Select); 9 bases into the intron after coding-DNA position 33, C replaced by T.
Molecular consequence: intron variant.
Genome position (GRCh38, 1-based): chr2:74,379,996, G>A on the plus strand (C>T on the coding strand, the complement: DCTN1 is on the minus strand). VCF-style: chr2-74379996-G-A. GRCh37 (hg19) VCF-style: chr2-74607123-G-A.
Other names: c.-18-1751C>T (NM_001190836.2, NM_001378992.1, NM_001378991.1); c.33+9C>T (NM_001135040.3, NM_001190837.2, NM_004082.4).
Identifiers: ClinVar variation 1121705 (VCV001121705.10), dbSNP rs775298728, ClinGen allele CA1722635.

ClinVar aggregate classification (germline): Likely benign. Review status: criteria provided, multiple submitters, no conflicts (2 of 4 stars). 2 submissions from 2 submitters: Likely benign (2). Last evaluated 2026-04-14.

Conditions:
Neuronopathy, distal hereditary motor, type 7B. Also called: NEURONOPATHY, DISTAL HEREDITARY MOTOR, AUTOSOMAL DOMINANT 14; NEURONOPATHY, DISTAL HEREDITARY MOTOR, HARDING TYPE VIIB; NEUROPATHY, DISTAL HEREDITARY MOTOR, HARDING TYPE VIIB; NEUROPATHY, DISTAL HEREDITARY MOTOR, WITH VOCAL CORD PARALYSIS, HARDING TYPE VIIB; HMN VIIB; LOWER MOTOR NEURON DISEASE, DYNACTIN TYPE. Identifiers: Orphanet 139589, MedGen C1843315, MONDO:0011879, OMIM 607641.
Perry syndrome. Also called: PARKINSONISM WITH ALVEOLAR HYPOVENTILATION AND MENTAL DEPRESSION. Identifiers: Orphanet 178509, MedGen C1868594, MONDO:0008201, OMIM 168605.
Amyotrophic lateral sclerosis type 1 (ALS1). Also called: AMYOTROPHIC LATERAL SCLEROSIS 1, FAMILIAL. Identifiers: Orphanet 803, MedGen C1862939, MONDO:0007103, OMIM 105400.
DCTN1-related disorder. Also called: DCTN1-related condition.

Allele frequency attached by ClinVar (database versions not stated): gnomAD exomes 0.00001; gnomAD 0.00002; ExAC 0.00001.
gnomAD v4.1: 24 of 1,613,924 alleles (0.0015%); highest among the groups gnomAD compares: Admixed American, 0.0067%; no homozygotes.

Submissions (2):

PreventionGenetics, part of Exact Sciences
Classification: Likely benign for DCTN1-related condition. Last evaluated: 2026-04-14. Review status: criteria provided, single submitter. Criteria: ACMG Guidelines, 2015. Collection method: clinical testing. Allele origin: germline.
Comment: This variant is classified as likely benign based on ACMG/AMP sequence variant interpretation guidelines (Richards et al. 2015 PMID: 25741868, with internal and published modifications).

Labcorp Genetics (formerly Invitae), Labcorp
Classification: Likely benign for Amyotrophic lateral sclerosis type 1; Neuronopathy, distal hereditary motor, type 7B; Perry syndrome. Last evaluated: 2025-09-22. Review status: criteria provided, single submitter. Criteria: Invitae Variant Classification Sherloc (09022015). Collection method: clinical testing. Allele origin: germline.